The following is an entry in ClinVar:

NM_000875.5(IGF1R):c.2741G>A (p.Gly914Glu)

Gene: IGF1R (insulin like growth factor 1 receptor; plus strand). Cytogenetic location: 15q26.3.
Variant type: single nucleotide variant.
Coding change: c.2741G>A on transcript NM_000875.5 (MANE Select); coding-DNA position 2741, G replaced by A.
Protein change: p.Gly914Glu; replaces glycine 914 with glutamic acid.
Molecular consequence: missense variant.
Genome position (GRCh38, 1-based): chr15:98,924,643, G>A. VCF-style: chr15-98924643-G-A. GRCh37 (hg19) VCF-style: chr15-99467872-G-A.
Other names: c.2741G>A, p.Gly914Glu (NM_001291858.2); short protein forms G914E.
Identifiers: ClinVar variation 800763 (VCV000800763.2), dbSNP rs1596457264, ClinGen allele CA393682374.

ClinVar aggregate classification (germline): Uncertain significance. Review status: criteria provided, single submitter (1 of 4 stars). 2 submissions from 2 submitters: Uncertain significance (1). 1 of the submissions does not count toward it. Last evaluated 2024-12-20.

Conditions:
Growth delay due to insulin-like growth factor I resistance. Also called: Somatomedin end-organ insensitivity to; Somatomedin-c resistance to; IGF-1 resistance; IGF-I RESISTANCE; Insulin-Like Growth Factor I Resistance. Identifiers: Orphanet 73273, MedGen C1849157, MONDO:0010038, OMIM 270450.

Submissions (2):

GeneDx
Classification: Uncertain significance. Last evaluated: 2024-12-20. Review status: criteria provided, single submitter. Criteria: GeneDx Variant Classification Process June 2021. Collection method: clinical testing. Allele origin: germline. Affected: yes.
Comment: Not observed at significant frequency in large population cohorts (gnomAD); In silico analysis supports that this missense variant has a deleterious effect on protein structure/function; Has not been previously published as pathogenic or benign to our knowledge

Biochemical Molecular Genetic Laboratory, King Abdulaziz Medical City
Classification: Uncertain significance for Growth delay due to insulin-like growth factor I resistance. Last evaluated: 2019-01-29. Review status: no assertion criteria provided. Collection method: clinical testing. Allele origin: germline. Affected: yes. Not counted in ClinVar's aggregate classification.